The following is an entry in ClinVar:

ClinVar aggregate classification (germline): Likely pathogenic (1 of 4 stars; one submission).

Conditions:
Familial intrahepatic cholestasis. Identifiers: Orphanet 284385, MedGen CN296401, MONDO:0017290.

Submission:

Genomenon, Inc
Classification: Likely pathogenic for Familial intrahepatic cholestasis. Last evaluated: 2026-04-14. Review status: criteria provided, single submitter. Criteria: Genomenon Sequence Variant Interpretation Standards - Updated. Collection method: curation. Allele origin: germline. Affected: yes.
Comment: ABCB4 p.Gly228Arg (c.682G>C) is a missense variant that changes the amino acid at residue 228 from Glycine to Arginine. This variant has been observed in at least one proband with an ABCB4-related disorder (PMID:26153658). At least one functional study has demonstrated a substantial alteration in protein function relative to the wild-type (PMID:26153658;26900700). It is absent or not present at a significant frequency in gnomAD. In silico models predict that this variant is possibly or probably damaging. In conclusion, we classify ABCB4 p.Gly228Arg (c.682G>C) as a likely pathogenic variant.

Literature cited by the submitters: PubMed 26153658; PubMed 26900700.

NM_000443.4(ABCB4):c.682G>C (p.Gly228Arg)

Gene: ABCB4 (ATP binding cassette subfamily B member 4; minus strand). Cytogenetic location: 7q21.12.
Variant type: single nucleotide variant.
Coding change: c.682G>C on transcript NM_000443.4 (MANE Select); coding-DNA position 682, G replaced by C.
Protein change: p.Gly228Arg; replaces glycine 228 with arginine.
Molecular consequence: missense variant.
Genome position (GRCh38, 1-based): chr7:87,451,649, C>G on the plus strand (G>C on the coding strand, the complement: ABCB4 is on the minus strand). VCF-style: chr7-87451649-C-G. GRCh37 (hg19) VCF-style: chr7-87080965-C-G.
Other names: c.682G>C, p.Gly228Arg (NM_018849.3, NM_018850.3); short protein forms G228R.
Identifiers: ClinVar variation 4846463 (VCV004846463.1).